The following is an entry in ClinVar:

ClinVar aggregate classification (germline): Uncertain significance (1 of 4 stars; one submission).

Conditions:
Short-rib thoracic dysplasia 14 with polydactyly (SRTD14). Identifiers: Orphanet 397715, MedGen C4225286, MONDO:0014688, OMIM 616546.
Joubert syndrome 23 (JBTS23). Identifiers: Orphanet 475, MedGen C4084822, MONDO:0014664, OMIM 616490.

Submission:

Labcorp Genetics (formerly Invitae), Labcorp
Classification: Uncertain significance for Joubert syndrome 23; Short-rib thoracic dysplasia 14 with polydactyly. Last evaluated: 2022-10-13. Review status: criteria provided, single submitter. Criteria: Invitae Variant Classification Sherloc (09022015). Collection method: clinical testing. Allele origin: germline.
Comment: In summary, the available evidence is currently insufficient to determine the role of this variant in disease. Therefore, it has been classified as a Variant of Uncertain Significance. This variant is not present in population databases (gnomAD no frequency). Algorithms developed to predict the effect of sequence changes on RNA splicing suggest that this variant may disrupt the consensus splice site. Algorithms developed to predict the effect of missense changes on protein structure and function output the following: SIFT: "Deleterious"; PolyPhen-2: "Possibly Damaging"; Align-GVGD: "Class C0". The glycine amino acid residue is found in multiple mammalian species, which suggests that this missense change does not adversely affect protein function. ClinVar contains an entry for this variant (Variation ID: 1367042). This variant has not been reported in the literature in individuals affected with KIAA0586-related conditions. This sequence change replaces glutamic acid, which is acidic and polar, with glycine, which is neutral and non-polar, at codon 1462 of the KIAA0586 protein (p.Glu1462Gly).

NM_001329943.3(KIAA0586):c.4226A>G (p.Glu1409Gly)

Gene: KIAA0586 (KIAA0586; plus strand). Cytogenetic location: 14q23.1.
Variant type: single nucleotide variant.
Coding change: c.4226A>G on transcript NM_001329943.3 (MANE Select); coding-DNA position 4226, A replaced by G.
Protein change: p.Glu1409Gly; replaces glutamic acid 1409 with glycine.
Molecular consequence: missense variant.
Genome position (GRCh38, 1-based): chr14:58,508,612, A>G. VCF-style: chr14-58508612-A-G. GRCh37 (hg19) VCF-style: chr14-58975330-A-G.
Other names: c.4385A>G, p.Glu1462Gly (NM_001244189.2); c.4181A>G, p.Glu1394Gly (NM_001244190.2); c.3971A>G, p.Glu1324Gly (NM_001244191.2, NM_001329945.2, NM_001364700.1 and 1 more transcripts); c.4094A>G, p.Glu1365Gly (NM_001244192.2, NM_001329947.2); c.3806A>G, p.Glu1269Gly (NM_001244193.2); c.4226A>G, p.Glu1409Gly (NM_001329944.2, NM_001329946.2); c.3998A>G, p.Glu1333Gly (NM_014749.5); short protein forms E1409G, E1269G, E1365G, E1324G, E1333G, E1394G, E1462G.
Identifiers: ClinVar variation 1367042 (VCV001367042.8), dbSNP rs2141430559, ClinGen allele CA390057790.